The following is an entry in ClinVar:

NM_001385012.1(NBEA):c.-8G>T

Gene: NBEA (neurobeachin; plus strand). Cytogenetic location: 13q13.3.
Variant type: single nucleotide variant.
Coding change: c.-8G>T on transcript NM_001385012.1 (MANE Select); 8 bases upstream of the start codon, G replaced by T.
Molecular consequence: 5 prime UTR variant.
Genome position (GRCh38, 1-based): chr13:34,942,813, G>T. VCF-style: chr13-34942813-G-T. GRCh37 (hg19) VCF-style: chr13-35516950-G-T.
Other names: c.-8G>T (NM_001379245.1, NM_015678.5).
Identifiers: ClinVar variation 3339191 (VCV003339191.1).

ClinVar aggregate classification (germline): Uncertain significance (1 of 4 stars; one submission).

gnomAD v4.1: 18 of 1,360,024 alleles (0.0013%); highest among the groups gnomAD compares: South Asian, 0.018%; no homozygotes.

Submission:

Women's Health and Genetics/Laboratory Corporation of America, LabCorp
Classification: Uncertain significance. Last evaluated: 2024-07-02. Review status: criteria provided, single submitter. Criteria: LabCorp Variant Classification Summary - May 2015. Collection method: clinical testing. Allele origin: germline.
Comment: Variant summary: NBEA c.-8G>T is located in the untranslated mRNA region upstream of the initiation codon. The variant was absent in 11774 control chromosomes. The available data on variant occurrences in the general population are insufficient to allow any conclusion about variant significance. To our knowledge, no occurrence of c.-8G>T in individuals affected with Neurodevelopmental Disorder With Or Without Early-Onset Generalized Epilepsy and no experimental evidence demonstrating its impact on protein function have been reported. No submitters have cited clinical-significance assessments for this variant to ClinVar. Based on the evidence outlined above, the variant was classified as uncertain significance.